The following is an entry in ClinVar:

NM_000066.4(C8B):c.1322A>G (p.Gln441Arg)

Gene: C8B (complement C8 beta chain; minus strand). Cytogenetic location: 1p32.2.
Variant type: single nucleotide variant.
Coding change: c.1322A>G on transcript NM_000066.4 (MANE Select); coding-DNA position 1322, A replaced by G.
Protein change: p.Gln441Arg; replaces glutamine 441 with arginine.
Molecular consequence: missense variant.
Genome position (GRCh38, 1-based): chr1:56,940,925, T>C on the plus strand (A>G on the coding strand, the complement: C8B is on the minus strand). VCF-style: chr1-56940925-T-C. GRCh37 (hg19) VCF-style: chr1-57406598-T-C.
Other names: c.1166A>G, p.Gln389Arg (NM_001278543.2); c.1136A>G, p.Gln379Arg (NM_001278544.2); short protein forms Q389R, Q441R, Q379R.
Identifiers: ClinVar variation 1486493 (VCV001486493.5), dbSNP rs766613171, ClinGen allele CA875681.
Genomic context (GRCh38, chr1:56,940,925, plus strand): 5'-GCTGGGTTGTACTGCACAGCGTCTCCCCACTCCTGCATCAGGTCCGCCGTCGGCAGCTCC[T>C]GGTATGCCAGGGTGGTGATGTGCTCACTTGCCCCTCCTCGTACCAGGACCACCAAGTCCT-3'
Protein context (NP_000057.3, residues 431-451): ASEHITTLAY[Gln441Arg]ELPTADLMQE

ClinVar aggregate classification (germline): Uncertain significance (1 of 4 stars; one submission).

Allele frequency attached by ClinVar (database versions not stated): gnomAD exomes 0.00001 and 0.00002; ExAC 0.00002.
gnomAD v4.1: 10 of 1,614,150 alleles (0.00062%); highest among the groups gnomAD compares: Middle Eastern, 0.017%; no homozygotes.

Submission:

Labcorp Genetics (formerly Invitae), Labcorp
Classification: Uncertain significance. Last evaluated: 2024-11-22. Review status: criteria provided, single submitter. Criteria: Invitae Variant Classification Sherloc (09022015). Collection method: clinical testing. Allele origin: germline.
Comment: This sequence change replaces glutamine, which is neutral and polar, with arginine, which is basic and polar, at codon 441 of the C8B protein (p.Gln441Arg). This variant is present in population databases (rs766613171, gnomAD 0.003%). This variant has not been reported in the literature in individuals affected with C8B-related conditions. ClinVar contains an entry for this variant (Variation ID: 1486493). An algorithm developed to predict the effect of missense changes on protein structure and function outputs the following: PolyPhen-2: "Benign". The arginine amino acid residue is found in multiple mammalian species, which suggests that this missense change does not adversely affect protein function. In summary, the available evidence is currently insufficient to determine the role of this variant in disease. Therefore, it has been classified as a Variant of Uncertain Significance.